The following is an entry in ClinVar:

ClinVar aggregate classification (germline): Uncertain significance (1 of 4 stars; one submission).

Allele frequency attached by ClinVar (database versions not stated): gnomAD exomes below 0.00001.
gnomAD v4.1: 1 of 1,599,372 alleles (0.000063%); highest among the groups gnomAD compares: Non-Finnish European, 0.000085%; no homozygotes.

Submission:

Labcorp Genetics (formerly Invitae), Labcorp
Classification: Uncertain significance. Last evaluated: 2022-08-05. Review status: criteria provided, single submitter. Criteria: Invitae Variant Classification Sherloc (09022015). Collection method: clinical testing. Allele origin: germline.
Comment: In summary, the available evidence is currently insufficient to determine the role of this variant in disease. Therefore, it has been classified as a Variant of Uncertain Significance. Algorithms developed to predict the effect of missense changes on protein structure and function (SIFT, PolyPhen-2, Align-GVGD) all suggest that this variant is likely to be tolerated. This variant has not been reported in the literature in individuals affected with LONP1-related conditions. This variant is not present in population databases (gnomAD no frequency). This sequence change replaces glutamic acid, which is acidic and polar, with lysine, which is basic and polar, at codon 91 of the LONP1 protein (p.Glu91Lys).

NM_004793.4(LONP1):c.271G>A (p.Glu91Lys)

Gene: LONP1 (lon peptidase 1, mitochondrial; minus strand). Cytogenetic location: 19p13.3.
Variant type: single nucleotide variant.
Coding change: c.271G>A on transcript NM_004793.4 (MANE Select); coding-DNA position 271, G replaced by A.
Protein change: p.Glu91Lys; replaces glutamic acid 91 with lysine.
Molecular consequence: missense variant. On other transcripts: intron variant (2).
Genome position (GRCh38, 1-based): chr19:5,719,862, C>T on the plus strand (G>A on the coding strand, the complement: LONP1 is on the minus strand). VCF-style: chr19-5719862-C-T. GRCh37 (hg19) VCF-style: chr19-5719873-C-T.
Other names: c.-160+357G>A (NM_001276480.1); c.125-46G>A (NM_001276479.2); short protein forms E91K.
Identifiers: ClinVar variation 1713769 (VCV001713769.5), dbSNP rs2512442542, ClinGen allele CA403543743.